The following is an entry in ClinVar:

NM_004415.4(DSP):c.572G>A (p.Cys191Tyr)

Gene: DSP (desmoplakin; plus strand). Cytogenetic location: 6p24.3.
Variant type: single nucleotide variant.
Coding change: c.572G>A on transcript NM_004415.4 (MANE Select); coding-DNA position 572, G replaced by A.
Protein change: p.Cys191Tyr; replaces cysteine 191 with tyrosine.
Molecular consequence: missense variant.
Genome position (GRCh38, 1-based): chr6:7,559,375, G>A. VCF-style: chr6-7559375-G-A. GRCh37 (hg19) VCF-style: chr6-7559608-G-A.
Other names: p.Cys191Tyr; c.572G>A, p.Cys191Tyr (NM_001008844.3, NM_001319034.2, NM_001406591.1); short protein forms C191Y.
Identifiers: ClinVar variation 2187047 (VCV002187047.7), dbSNP rs761969701, ClinGen allele CA045617.
Genomic context (GRCh38, chr6:7,559,375, plus strand): 5'-GCTACACTTGTCAGAGTGGCTCTGGCTGGGATGAGTTCACCAAACATGTCACCAGTGAAT[G>A]TTTGGGGTGGATGAGGCAGCAAAGGGTAAGCAGCTTCTTGAACAGCCCAAACCTGTGCAG-3'
Protein context (NP_004406.2, residues 181-201): DEFTKHVTSE[Cys191Tyr]LGWMRQQRAE

ClinVar aggregate classification (germline): Conflicting classifications of pathogenicity. Review status: criteria provided, conflicting classifications (1 of 4 stars). 4 submissions from 4 submitters: Uncertain significance (3); Likely benign (1). Last evaluated 2025-06-17.

Conditions:
Cardiomyopathy (CMYO). Also called: Cardiomyopathies. Identifiers: Orphanet 167848, MedGen C0878544, MONDO:0004994, HP:0001638. Inheritance: Various modes of inheritance.
Arrhythmogenic cardiomyopathy with wooly hair and keratoderma. Also called: Dilated cardiomyopathy with woolly hair and keratoderma; Carvajal syndrome; PALMOPLANTAR KERATODERMA WITH LEFT VENTRICULAR CARDIOMYOPATHY AND WOOLLY HAIR; Arrhythmogenic cardiomyopathy with woolly hair and keratoderma. Identifiers: Orphanet 65282, MedGen C1854063, MONDO:0011581, OMIM 605676.
Arrhythmogenic right ventricular dysplasia 8 (ARVD8). Also called: Arrhythmogenic Right Ventricular Dysplasia/Cardiomyopathy 8; ARRHYTHMOGENIC RIGHT VENTRICULAR DYSPLASIA, FAMILIAL, 8; ARRHYTHMOGENIC RIGHT VENTRICULAR CARDIOMYOPATHY 8. Identifiers: MedGen C1843896, MONDO:0011831, OMIM 607450.

Allele frequency attached by ClinVar (database versions not stated): ExAC 0.00001; gnomAD 0.00001; gnomAD exomes 0.00001; TOPMed 0.00002.
gnomAD v4.1: 5 of 1,612,818 alleles (0.00031%); highest among the groups gnomAD compares: African/African-American, 0.0053%; no homozygotes.

Submissions (4):

Color Diagnostics, LLC DBA Color Health
Classification: Uncertain significance for Cardiomyopathy. Last evaluated: 2025-06-17. Review status: criteria provided, single submitter. Criteria: ACMG Guidelines, 2015. Collection method: clinical testing. Allele origin: germline.
Comment: This missense variant replaces cysteine with tyrosine at codon 191 of the DSP protein. Computational prediction is inconclusive regarding the impact of this variant on protein structure and function. To our knowledge, functional studies have not been reported for this variant. This variant has not been reported in individuals affected with DSP-related disorders in the literature. This variant has been identified in 3/250922 chromosomes in the general population by the Genome Aggregation Database (gnomAD). The available evidence is insufficient to determine the role of this variant in disease conclusively. Therefore, this variant is classified as a Variant of Uncertain Significance.

Labcorp Genetics (formerly Invitae), Labcorp
Classification: Likely benign for Arrhythmogenic cardiomyopathy with wooly hair and keratoderma; Arrhythmogenic right ventricular dysplasia 8. Last evaluated: 2024-04-07. Review status: criteria provided, single submitter. Criteria: Invitae Variant Classification Sherloc (09022015). Collection method: clinical testing. Allele origin: germline.

All of Us Research Program, National Institutes of Health
Classification: Uncertain significance for Arrhythmogenic cardiomyopathy with wooly hair and keratoderma. Last evaluated: 2023-08-15. Review status: criteria provided, single submitter. Criteria: ACMG Guidelines, 2015. Collection method: clinical testing. Allele origin: germline. Inheritance: Autosomal dominant inheritance. Observed: 1 variant allele, 1 heterozygote.
Comment: This study involves interpretation of variants in research participants for the purpose of population health screening. Participant phenotype was not available at the time of variant classification. Additional details can be found in publication PMID: 35346344, PMCID: PMC8962531

Mayo Clinic Laboratories, Mayo Clinic
Classification: Uncertain significance. Last evaluated: 2022-11-22. Review status: criteria provided, single submitter. Criteria: ACMG Guidelines, 2015. Collection method: clinical testing. Allele origin: germline. Observed: 1 variant allele.